The following is an entry in ClinVar:

ClinVar aggregate classification (germline): Likely benign. Review status: criteria provided, multiple submitters, no conflicts (2 of 4 stars). 3 submissions from 3 submitters: Likely benign (3). Last evaluated 2026-03-11.

Conditions:
Duane-radial ray syndrome (DRRS). Also called: ACRORENOOCULAR SYNDROME; DR SYNDROME; DUANE ANOMALY WITH RADIAL RAY ABNORMALITIES AND DEAFNESS; Duane-Radial Ray Syndrome (DRRS) / Okihiro Syndrome; Okihiro Syndrome; Duane-Radial Ray Syndrome/Okihiro Syndrome. Identifiers: Orphanet 93293, Orphanet 959, MedGen C1623209, MONDO:0011812, OMIM 607323. Disease mechanism: gain of function.
SALL4-Related Disorders. Also called: SALL4-related condition; SALL4-related disorder. Identifiers: MedGen CN381056.

Allele frequency attached by ClinVar (database versions not stated): ExAC 0.00010; 1000 Genomes Project 30x 0.00016; 1000 Genomes Project 0.00020; TOPMed 0.00021; gnomAD 0.00024.
gnomAD v4.1: 82 of 1,614,110 alleles (0.0051%); highest among the groups gnomAD compares: African/African-American, 0.1%; no homozygotes.

Submissions (3):

PreventionGenetics, part of Exact Sciences
Classification: Likely benign for SALL4-related condition. Last evaluated: 2026-03-11. Review status: criteria provided, single submitter. Criteria: ACMG Guidelines, 2015. Collection method: clinical testing. Allele origin: germline.
Comment: This variant is classified as likely benign based on ACMG/AMP sequence variant interpretation guidelines (Richards et al. 2015 PMID: 25741868, with internal and published modifications).

Blueprint Genetics
Classification: Likely benign. Last evaluated: 2024-06-27. Review status: criteria provided, single submitter. Criteria: ACMG Guidelines, 2015. Collection method: clinical testing. Allele origin: germline.

Labcorp Genetics (formerly Invitae), Labcorp
Classification: Likely benign for Duane-radial ray syndrome. Last evaluated: 2024-04-25. Review status: criteria provided, single submitter. Criteria: Invitae Variant Classification Sherloc (09022015). Collection method: clinical testing. Allele origin: germline.

NM_020436.5(SALL4):c.1504T>C (p.Ser502Pro)

Gene: SALL4 (spalt like transcription factor 4; minus strand). Cytogenetic location: 20q13.2.
Variant type: single nucleotide variant.
Coding change: c.1504T>C on transcript NM_020436.5 (MANE Select); coding-DNA position 1504, T replaced by C.
Protein change: p.Ser502Pro; replaces serine 502 with proline.
Molecular consequence: missense variant. On other transcripts: intron variant (1).
Genome position (GRCh38, 1-based): chr20:51,790,979, A>G on the plus strand (T>C on the coding strand, the complement: SALL4 is on the minus strand). VCF-style: chr20-51790979-A-G. GRCh37 (hg19) VCF-style: chr20-50407518-A-G.
Other names: c.1150+354T>C (NM_001318031.2); c.1504T>C (NM_020436.4); short protein forms S502P.
Identifiers: ClinVar variation 2860880 (VCV002860880.5), dbSNP rs147369767, ClinGen allele CA9912276.